The following is an entry in ClinVar:

NM_031407.7(HUWE1):c.793C>T (p.His265Tyr)

Gene: HUWE1 (HECT, UBA and WWE domain containing E3 ubiquitin protein ligase 1; minus strand). Cytogenetic location: Xp11.22.
Variant type: single nucleotide variant.
Coding change: c.793C>T on transcript NM_031407.7 (MANE Select); coding-DNA position 793, C replaced by T.
Protein change: p.His265Tyr; replaces histidine 265 with tyrosine.
Molecular consequence: missense variant.
Genome position (GRCh38, 1-based): chrX:53,631,004, G>A on the plus strand (C>T on the coding strand, the complement: HUWE1 is on the minus strand). VCF-style: chrX-53631004-G-A. GRCh37 (hg19) VCF-style: chrX-53657956-G-A.
Other names: short protein forms H265Y.
Identifiers: ClinVar variation 3362218 (VCV003362218.1).

ClinVar aggregate classification (germline): Uncertain significance (1 of 4 stars; one submission).

Submission:

GeneDx
Classification: Uncertain significance. Last evaluated: 2023-06-01. Review status: criteria provided, single submitter. Criteria: GeneDx Variant Classification Process June 2021. Collection method: clinical testing. Allele origin: germline. Affected: yes.
Comment: Has not been previously published as pathogenic or benign to our knowledge; Not observed at significant frequency in large population cohorts (gnomAD); In silico analysis supports that this missense variant has a deleterious effect on protein structure/function